The following is an entry in ClinVar:

ClinVar aggregate classification (germline): Uncertain significance (1 of 4 stars; one submission).

Allele frequency attached by ClinVar (database versions not stated): gnomAD exomes 0.00001; ExAC 0.00002.
gnomAD v4.1: 9 of 1,613,968 alleles (0.00056%); highest among the groups gnomAD compares: East Asian, 0.0045%; no homozygotes.

Submission:

Labcorp Genetics (formerly Invitae), Labcorp
Classification: Uncertain significance. Last evaluated: 2025-07-01. Review status: criteria provided, single submitter. Criteria: Invitae Variant Classification Sherloc (09022015). Collection method: clinical testing. Allele origin: germline.
Comment: This sequence change replaces valine, which is neutral and non-polar, with isoleucine, which is neutral and non-polar, at codon 97 of the JAK1 protein (p.Val97Ile). This variant is present in population databases (rs781744573, gnomAD 0.006%). This variant has not been reported in the literature in individuals affected with JAK1-related conditions. ClinVar contains an entry for this variant (Variation ID: 1965509). An algorithm developed to predict the effect of missense changes on protein structure and function outputs the following: PolyPhen-2: "Benign". The isoleucine amino acid residue is found in multiple mammalian species, which suggests that this missense change does not adversely affect protein function. In summary, the available evidence is currently insufficient to determine the role of this variant in disease. Therefore, it has been classified as a Variant of Uncertain Significance.

NM_002227.4(JAK1):c.289G>A (p.Val97Ile)

Gene: JAK1 (Janus kinase 1; minus strand). Cytogenetic location: 1p31.3.
Variant type: single nucleotide variant.
Coding change: c.289G>A on transcript NM_002227.4 (MANE Select); coding-DNA position 289, G replaced by A.
Protein change: p.Val97Ile; replaces valine 97 with isoleucine.
Molecular consequence: missense variant.
Genome position (GRCh38, 1-based): chr1:64,879,065, C>T on the plus strand (G>A on the coding strand, the complement: JAK1 is on the minus strand). VCF-style: chr1-64879065-C-T. GRCh37 (hg19) VCF-style: chr1-65344748-C-T.
Other names: c.289G>A, p.Val97Ile (NM_001320923.2, NM_001321852.2, NM_001321853.2 and 4 more transcripts); short protein forms V97I.
Identifiers: ClinVar variation 1965509 (VCV001965509.5), dbSNP rs781744573, ClinGen allele CA893197.